The following is an entry in ClinVar:

NM_012293.3(PXDN):c.2097C>T (p.Asn699=)

Gene: PXDN (peroxidasin; minus strand). Cytogenetic location: 2p25.3.
Variant type: single nucleotide variant.
Coding change: c.2097C>T on transcript NM_012293.3 (MANE Select); coding-DNA position 2097, C replaced by T.
Protein change: p.Asn699=; no amino-acid change (asparagine 699 retained).
Molecular consequence: synonymous variant.
Genome position (GRCh38, 1-based): chr2:1,653,635, G>A on the plus strand (C>T on the coding strand, the complement: PXDN is on the minus strand). VCF-style: chr2-1653635-G-A. GRCh37 (hg19) VCF-style: chr2-1657407-G-A.
Identifiers: ClinVar variation 707682 (VCV000707682.12), dbSNP rs369631419, ClinGen allele CA1513101.

ClinVar aggregate classification (germline): Likely benign. Review status: criteria provided, multiple submitters, no conflicts (2 of 4 stars). 3 submissions from 3 submitters: Likely benign (2). 1 of the submissions does not count toward it. Last evaluated 2025-12-19.

Conditions:
PXDN-related disorder. Also called: PXDN-related condition.
Anterior segment dysgenesis 7 (ASGD7). Also called: SCLEROCORNEA WITH OTHER OCULAR ANOMALIES; Anterior segment dysgenesis 7, with sclerocornea. Identifiers: Orphanet 289499, MedGen C3151617, MONDO:0010015, OMIM 269400.

Allele frequency attached by ClinVar (database versions not stated): ESP Exome Variant Server 0.00016; 1000 Genomes Project 0.00020; gnomAD exomes 0.00021 and 0.00025; ExAC 0.00025; 1000 Genomes Project 30x 0.00031; gnomAD 0.00033 and 0.00036; TOPMed 0.00057.
gnomAD v4.1: 364 of 1,612,636 alleles (0.023%); highest among the groups gnomAD compares: Admixed American, 0.15%; no homozygotes.

Submissions (3):

Labcorp Genetics (formerly Invitae), Labcorp
Classification: Likely benign for Anterior segment dysgenesis 7. Last evaluated: 2025-12-19. Review status: criteria provided, single submitter. Criteria: Invitae Variant Classification Sherloc (09022015). Collection method: clinical testing. Allele origin: germline.

Blueprint Genetics
Classification: Likely benign. Last evaluated: 2024-08-09. Review status: criteria provided, single submitter. Criteria: ACMG Guidelines, 2015. Collection method: clinical testing. Allele origin: germline.

PreventionGenetics, part of Exact Sciences
Classification: Likely benign for PXDN-related condition. Last evaluated: 2019-03-26. Review status: no assertion criteria provided. Collection method: clinical testing. Allele origin: germline. Not counted in ClinVar's aggregate classification.
Comment: This variant is classified as likely benign based on ACMG/AMP sequence variant interpretation guidelines (Richards et al. 2015 PMID: 25741868, with internal and published modifications).